The following is an entry in ClinVar:

NM_000289.6(PFKM):c.237+1G>A

Gene: PFKM (phosphofructokinase, muscle; plus strand). Cytogenetic location: 12q13.11.
Variant type: single nucleotide variant.
Coding change: c.237+1G>A on transcript NM_000289.6 (MANE Select); the canonical splice donor site of the intron after coding-DNA position 237, G replaced by A.
Molecular consequence: splice donor variant.
Genome position (GRCh38, 1-based): chr12:48,131,394, G>A. VCF-style: chr12-48131394-G-A. GRCh37 (hg19) VCF-style: chr12-48525177-G-A.
Other names: IVS5DS, G-A, +1; c.261+1G>A (NM_001354741.2); c.237+1G>A (NM_001354742.2, NM_001354743.2, NM_001354744.2 and 4 more transcripts); c.87+1G>A (NM_001354747.2, NM_001354748.2); c.450+1G>A (NM_001166686.2, NM_001354737.1, NM_001354739.1 and 1 more transcripts); c.546+1G>A (NM_001354736.1, NM_001354735.1); c.381+1G>A (NM_001354740.1); c.150+1G>A (NM_001354745.2).
Identifiers: ClinVar variation 189239 (VCV000189239.35), dbSNP rs202143236, ClinGen allele CA199168.

ClinVar aggregate classification (germline): Pathogenic/Likely pathogenic. Review status: criteria provided, multiple submitters, no conflicts (2 of 4 stars). 10 submissions from 10 submitters: Pathogenic (6); Likely pathogenic (2). 2 of the submissions do not count toward it. Last evaluated 2026-01-19.

Conditions:
Rhabdomyolysis. Also called: Rhabdomyolysis (disease). Identifiers: MedGen C0035410, HP:0003201, MONDO:0005290.
Glycogen storage disease, type VII (GSD7). Also called: GSD VII; MUSCLE PHOSPHOFRUCTOKINASE DEFICIENCY; PFKM DEFICIENCY; TARUI DISEASE. Identifiers: Orphanet 371, MedGen C0017926, MONDO:0009295, OMIM 232800.

Allele frequency attached by ClinVar (database versions not stated): gnomAD 0.00006; TOPMed 0.00006; gnomAD exomes 0.00007 and 0.00013; ExAC 0.00008.
gnomAD v4.1: 117 of 1,606,674 alleles (0.0073%); highest among the groups gnomAD compares: Non-Finnish European, 0.0016%; no homozygotes.

Submissions (11):

Labcorp Genetics (formerly Invitae), Labcorp
Classification: Pathogenic for Glycogen storage disease, type VII. Last evaluated: 2026-01-19. Review status: criteria provided, single submitter. Criteria: Invitae Variant Classification Sherloc (09022015). Collection method: clinical testing. Allele origin: germline.
Comment: This sequence change affects a donor splice site in intron 4 of the PFKM gene. RNA analysis indicates that disruption of this splice site induces altered splicing and likely results in a shortened protein product. This variant is present in population databases (rs202143236, gnomAD 0.2%). Disruption of this splice site has been observed in individuals with phosphofructokinase deficiency (PMID: 8037209, 8444874, 28779239). It has also been observed to segregate with disease in related individuals. ClinVar contains an entry for this variant (Variation ID: 189239). Studies have shown that disruption of this splice site results in skipping of exon 4, but is expected to preserve the integrity of the reading-frame (PMID: 8444874). For these reasons, this variant has been classified as Pathogenic.

Natera, Inc.
Classification: Pathogenic for Glycogen storage disease type VII. Last evaluated: 2025-08-08. Review status: criteria provided, single submitter. Criteria: Natera Variant Classification Schema (03/2026). Collection method: clinical testing. Allele origin: germline.
Comment: The c.237+1G>A variant in PFKM is a canonical splice donor site variant predicted to affect pre-mRNA splicing, which may result in an abnormal transcript and altered protein product. This variant may result in a truncated or dysfunctional protein product. The frequency of this variant in the general population is greater than expected for disorder. This variant has been observed in one or more individuals affected with the associated recessive disease, as either homozygous or compound heterozygous with a second variant (PMID: 8444874, 7603525, 9389749). Additionally, this variant has been observed to segregate in affected family members (PMID: 8444874, 9389749). Functional studies show that this variant may disrupt protein function (PMID: 8444874, 7603525). Given the available evidence, this variant is classified as Pathogenic.

Revvity Omics, Revvity
Classification: Pathogenic for Glycogen storage disease, type VII. Last evaluated: 2024-12-21. Review status: criteria provided, single submitter. Criteria: ACMG Guidelines, 2015. Collection method: clinical testing. Allele origin: germline.

Fulgent Genetics
Classification: Pathogenic for Glycogen storage disease, type VII. Last evaluated: 2024-02-23. Review status: criteria provided, single submitter. Criteria: ACMG Guidelines, 2015. Collection method: clinical testing. Allele origin: germline.

GeneDx
Classification: Likely pathogenic. Last evaluated: 2022-04-15. Review status: criteria provided, single submitter. Criteria: GeneDx Variant Classification Process June 2021. Collection method: clinical testing. Allele origin: germline. Affected: yes.
Comment: Canonical splice site variant expected to result in aberrant splicing, although in the absence of functional evidence the actual effect of this sequence change is unknown; This variant is associated with the following publications: (PMID: 28779239, 28627441, 8444874, 25525159, 31589614, 31653659)

Myriad Genetics, Inc.
Classification: Pathogenic for Glycogen storage disease, type VII. Last evaluated: 2021-11-08. Review status: criteria provided, single submitter. Criteria: Myriad Women's Health Autosomal Recessive and X-Linked Classification Criteria (2021). Collection method: clinical testing. Allele origin: unknown.
Comment: NM_001166686.1(PFKM):c.450+1G>A is a canonical splice variant classified as pathogenic in the context of glycogen storage disease type VII. c.450+1G>A has been observed in cases with relevant disease (PMID: 8037209). Functional assessments of this variant are not available in the literature. c.450+1G>A has been observed in population frequency databases (gnomAD: ASJ 0.24%). In summary, NM_001166686.1(PFKM):c.450+1G>A is a canonical splice variant that has been observed more frequently in cases with the relevant disease than in healthy populations. Please note: this variant was assessed in the context of healthy population screening.

ARUP Laboratories, Molecular Genetics and Genomics, ARUP Laboratories
Classification: Likely pathogenic for Glycogen storage disease, type VII. Last evaluated: 2020-12-03. Review status: criteria provided, single submitter. Criteria: ARUP Molecular Germline Variant Investigation Process 2021. Collection method: clinical testing. Allele origin: germline.

Laboratory for Molecular Medicine, Mass General Brigham Personalized Medicine
Classification: Pathogenic for Glycogen storage disease 7. Last evaluated: 2014-12-15. Review status: criteria provided, single submitter. Criteria: LMM Criteria. Collection method: clinical testing. Allele origin: germline. Inheritance: Autosomal recessive inheritance. Observed: 2 variant alleles. Study: CSER-MedSeq.
Comment: The 237+1G>A variant in PFKM has been previously identified in one homozygous patient with glycogen storage disease 7 and was found to segregate with disease in an affected homozygous relative (Raben 1993). This variant is located in the 5' splice region and computational tools do suggest an impact to splicing. In summary, this variant meets our criteria for pathogenicity.

Yale Center for Mendelian Genomics, Yale University
Classification: Likely pathogenic for Rhabdomyolysis. Last evaluated: 2017-08-05. Review status: no assertion criteria provided. Collection method: literature only. Allele origin: germline. Affected: yes. Observed: 1 homozygote. Not counted in ClinVar's aggregate classification.

OMIM
Classification: Pathogenic for GLYCOGEN STORAGE DISEASE VII. Last evaluated: 1997-12-01. Review status: no assertion criteria provided. Collection method: literature only. Allele origin: germline. Not counted in ClinVar's aggregate classification.

Dr. Peter K. Rogan Lab, Western University
No classification provided (evidence only). Condition: Thyroid cancer, nonmedullary, 1. Review status: no classification provided. Collection method: in vitro. Allele origin: not applicable. Functional consequence: skipped exon. Not counted in ClinVar's aggregate classification.

Literature cited by the submitters: PubMed 8037209 (cited by 3 submitters); PubMed 8444874 (cited by 4 submitters); PubMed 28779239 (cited by Labcorp Genetics (formerly Invitae), Labcorp and Yale Center for Mendelian Genomics, Yale University); PubMed 7603525 (cited by Natera, Inc.); PubMed 9389749 (cited by Natera, Inc. and OMIM); PubMed 8880699 (cited by OMIM).